The following is an entry in ClinVar:

NM_004183.4(BEST1):c.1100+1G>C

Gene: BEST1 (bestrophin 1; plus strand). Cytogenetic location: 11q12.3.
Variant type: single nucleotide variant.
Coding change: c.1100+1G>C on transcript NM_004183.4 (MANE Select); the canonical splice donor site of the intron after coding-DNA position 1100, G replaced by C.
Molecular consequence: splice donor variant.
Genome position (GRCh38, 1-based): chr11:61,960,044, G>C. VCF-style: chr11-61960044-G-C. GRCh37 (hg19) VCF-style: chr11-61727516-G-C.
Other names: c.1303+1G>C (NM_001363592.2); c.1100+1G>C (NM_001440571.1); c.1019+1G>C (NM_001440572.1); c.947+1G>C (NM_001440573.1); c.920+1G>C (NM_001139443.3, NM_001300787.2); c.839+1G>C (NM_001440574.1, NM_001300786.2); c.767+1G>C (NM_001440575.1); c.686+1G>C (NM_001440576.1); and 2 more.
Identifiers: ClinVar variation 1690964 (VCV001690964.6), dbSNP rs1434513582, ClinGen allele CA380846509.

ClinVar aggregate classification (germline): Pathogenic/Likely pathogenic. Review status: criteria provided, multiple submitters, no conflicts (2 of 4 stars). 3 submissions from 3 submitters: Pathogenic (2); Likely pathogenic (1). Last evaluated 2025-07-08.

Submissions (3):

Dasa
Classification: Pathogenic. Last evaluated: 2025-07-08. Review status: criteria provided, single submitter. Criteria: DASA Assertion Criteria. Collection method: clinical testing. Allele origin: germline.
Comment: NM_004183.4(BEST1):c.1100+1G>C introduces a premature termination codon predicted to result in loss of normal protein function. Loss-of-function is an established mechanism of disease for this gene. This variant results in the same amino acid change as a previously established pathogenic variant. This variant has been reported in individuals with related phenotype (PMID: 22199244). The variant is present at low frequency in population datasets. Based on the available data, this variant is classified as pathogenic.

Labcorp Genetics (formerly Invitae), Labcorp
Classification: Pathogenic. Last evaluated: 2023-09-01. Review status: criteria provided, single submitter. Criteria: Invitae Variant Classification Sherloc (09022015). Collection method: clinical testing. Allele origin: germline.
Comment: For these reasons, this variant has been classified as Pathogenic. Algorithms developed to predict the effect of sequence changes on RNA splicing suggest that this variant may disrupt the consensus splice site. This sequence change affects a donor splice site in intron 9 of the BEST1 gene. It is expected to disrupt RNA splicing. Variants that disrupt the donor or acceptor splice site typically lead to a loss of protein function (PMID: 16199547), and loss-of-function variants in BEST1 are known to be pathogenic (PMID: 21825197). This variant is not present in population databases (gnomAD no frequency). Disruption of this splice site has been observed in individuals with autosomal recessive bestrophinopathy (PMID: 22199244, 32141364, 35119454). ClinVar contains an entry for this variant (Variation ID: 1690964).

Laboratorio de Genetica e Diagnostico Molecular, Hospital Israelita Albert Einstein
Classification: Likely pathogenic. Last evaluated: 2020-11-13. Review status: criteria provided, single submitter. Criteria: ACMG Guidelines, 2015. Collection method: clinical testing. Allele origin: germline. Affected: yes.
Comment: ACMG classification criteria: PVS1, PM2

Literature cited by the submitters: PubMed 22199244 (cited by Dasa and Labcorp Genetics (formerly Invitae), Labcorp); PubMed 16199547 (cited by Labcorp Genetics (formerly Invitae), Labcorp); PubMed 21825197 (cited by Labcorp Genetics (formerly Invitae), Labcorp); PubMed 32141364 (cited by Labcorp Genetics (formerly Invitae), Labcorp); PubMed 35119454 (cited by Labcorp Genetics (formerly Invitae), Labcorp).